The following is an entry in ClinVar:

ClinVar aggregate classification (germline): Benign/Likely benign. Review status: criteria provided, multiple submitters, no conflicts (2 of 4 stars). 3 submissions from 3 submitters: Benign (1); Likely benign (2). Last evaluated 2024-05-28.

Conditions:
Hereditary cancer-predisposing syndrome. Also called: Hereditary Cancer Syndrome; Neoplastic Syndromes, Hereditary; Tumor predisposition; Hereditary neoplastic syndrome. Identifiers: Orphanet 140162, MedGen C0027672, MeSH D009386, MONDO:0015356.
Ataxia-telangiectasia syndrome (AT). Also called: Cerebello-oculocutaneous telangiectasia; Immunodeficiency with ataxia telangiectasia; Ataxia-telangiectasia, complementation group E; Ataxia-telangiectasia, complementation group D; AT, COMPLEMENTATION GROUP C; ATAXIA-TELANGIECTASIA, COMPLEMENTATION GROUP A. Identifiers: Orphanet 100, MedGen C0004135, MONDO:0008840, OMIM 208900.
Familial cancer of breast. Also called: BREAST CANCER, FAMILIAL; Hereditary breast cancer; hereditary breast carcinoma. Identifiers: Orphanet 227535, MedGen C0346153, MONDO:0016419, OMIM 114480. Disease mechanism: loss of function.

Submissions (3):

Myriad Genetics, Inc.
Classification: Benign for Familial cancer of breast. Last evaluated: 2024-05-28. Review status: criteria provided, single submitter. Criteria: Myriad Autosomal Dominant, Autosomal Recessive and X-Linked Classification Criteria (2023). Collection method: clinical testing. Allele origin: unknown.
Comment: This variant is considered benign. This variant is a silent/synonymous amino acid change and it is not expected to impact splicing.

Color Diagnostics, LLC DBA Color Health
Classification: Likely benign for Hereditary cancer-predisposing syndrome. Last evaluated: 2018-04-11. Review status: criteria provided, single submitter. Criteria: ACMG Guidelines, 2015. Collection method: clinical testing. Allele origin: germline.

Labcorp Genetics (formerly Invitae), Labcorp
Classification: Likely benign for Ataxia-telangiectasia syndrome. Last evaluated: 2017-10-10. Review status: criteria provided, single submitter. Criteria: Invitae Variant Classification Sherloc (09022015). Collection method: clinical testing. Allele origin: germline.

NM_000051.4(ATM):c.5955T>C (p.Thr1985=)

Genes: ATM (ATM serine/threonine kinase; plus strand), C11orf65 (chromosome 11 open reading frame 65; minus strand). Cytogenetic location: 11q22.3.
Variant type: single nucleotide variant.
Coding change: c.5955T>C on transcript NM_000051.4 (MANE Select); coding-DNA position 5955, T replaced by C.
Protein change: p.Thr1985=; no amino-acid change (threonine 1985 retained).
Molecular consequence: synonymous variant. On other transcripts: intron variant (2).
Genome position (GRCh38, 1-based): chr11:108,312,447, T>C. VCF-style: chr11-108312447-T-C. GRCh37 (hg19) VCF-style: chr11-108183174-T-C.
Other names: c.5955T>C, p.Thr1985= (NM_001351834.2); c.641-3376A>G (NM_001330368.2); c.*39-3376A>G (NM_001351110.2).
Identifiers: ClinVar variation 524452 (VCV000524452.12), dbSNP rs1555111801, ClinGen allele CA476675543.